The following is an entry in ClinVar:

NM_004826.4(ECEL1):c.1916C>T (p.Ser639Phe)

Gene: ECEL1 (endothelin converting enzyme like 1; minus strand). Cytogenetic location: 2q37.1.
Variant type: single nucleotide variant.
Coding change: c.1916C>T on transcript NM_004826.4 (MANE Select); coding-DNA position 1916, C replaced by T.
Protein change: p.Ser639Phe; replaces serine 639 with phenylalanine.
Molecular consequence: missense variant.
Genome position (GRCh38, 1-based): chr2:232,481,579, G>A on the plus strand (C>T on the coding strand, the complement: ECEL1 is on the minus strand). VCF-style: chr2-232481579-G-A. GRCh37 (hg19) VCF-style: chr2-233346289-G-A.
Other names: c.1910C>T, p.Ser637Phe (NM_001290787.2); short protein forms S637F, S639F.
Identifiers: ClinVar variation 816826 (VCV000816826.8), dbSNP rs768971199, ClinGen allele CA2167034.

ClinVar aggregate classification (germline): Uncertain significance. Review status: criteria provided, single submitter (1 of 4 stars). 2 submissions from 2 submitters: Uncertain significance (1). 1 of the submissions does not count toward it. Last evaluated 2025-09-01.

Conditions:
Distal arthrogryposis type 5D (DA5D). Identifiers: Orphanet 329457, MedGen C3554415, MONDO:0014028, OMIM 615065.

gnomAD v4.1: 11 of 1,613,704 alleles (0.00068%); highest among the groups gnomAD compares: Non-Finnish European, 0.00076%; no homozygotes.

Submissions (2):

CeGaT Center for Human Genetics Tuebingen
Classification: Uncertain significance. Last evaluated: 2025-09-01. Review status: criteria provided, single submitter. Criteria: CeGaT Center For Human Genetics Tuebingen Variant Classification Criteria Version 2. Collection method: clinical testing. Allele origin: germline. Affected: yes. Observed: 2 variant alleles.
Comment: ECEL1: PM2, PM3

Lupski Lab, Baylor-Hopkins CMG, Baylor College of Medicine
Classification: Uncertain significance for Distal arthrogryposis type 5D. Review status: no assertion criteria provided. Collection method: research. Allele origin: inherited. Inheritance: Autosomal recessive inheritance. Affected: yes. Observed: 3 variant alleles, 2 heterozygotes, 1 homozygote. Not counted in ClinVar's aggregate classification.